The following is an entry in ClinVar:

ClinVar aggregate classification (germline): Pathogenic. Review status: criteria provided, multiple submitters, no conflicts (2 of 4 stars). 4 submissions from 4 submitters: Pathogenic (2). 2 of the submissions do not count toward it. Last evaluated 2025-10-01.

Conditions:
Jeune thoracic dystrophy. Also called: Short-rib thoracic dysplasia; Jeune syndrome; Infantile thoracic dystrophy; Thoracic pelvic phalangeal dystrophy; Jeune's syndrome; Chondroectodermal dysplasia-like syndrome. Identifiers: Orphanet 474, MedGen C0265275, MONDO:0018770.
Asphyxiating thoracic dystrophy 3. Also called: SHORT-RIB THORACIC DYSPLASIA 3 WITH OR WITHOUT POLYDACTYLY; POLYDACTYLY WITH NEONATAL CHONDRODYSTROPHY, TYPE I; SHORT-RIB THORACIC DYSPLASIA 3/6 WITH POLYDACTYLY, DIGENIC; Saldino-Noonan Syndrome; Short rib polydactyly syndrome 2B. Identifiers: Orphanet 474, Orphanet 93269, Orphanet 93270, Orphanet 93271, MedGen C0036069, MONDO:0013127, OMIM 613091.

Submissions (4):

Myriad Genetics, Inc.
Classification: Pathogenic for Asphyxiating thoracic dystrophy 3. Last evaluated: 2025-10-01. Review status: criteria provided, single submitter. Criteria: Myriad Autosomal Dominant, Autosomal Recessive and X-Linked Classification Criteria (2023). Collection method: clinical testing. Allele origin: unknown.
Comment: NM_001377.2(DYNC2H1):c.8769_8770delGT(L2924Tfs*2) is a frameshift variant classified as pathogenic in the context of DYNC2H1-related disorders. L2924Tfs*2 has been observed in a case with relevant disease (PMID: 29068549). Relevant functional assessments of this variant are not available in the literature. L2924Tfs*2 has not been observed in referenced population frequency databases. In summary, NM_001377.2(DYNC2H1):c.8769_8770delGT(L2924Tfs*2) is a frameshift variant in a gene where loss of function is a known mechanism of disease, is predicted to disrupt protein function, and has been observed more frequently in cases with the relevant disease than in healthy populations. Please note: this variant was assessed in the context of healthy population screening.

Labcorp Genetics (formerly Invitae), Labcorp
Classification: Pathogenic for Jeune thoracic dystrophy. Last evaluated: 2024-06-04. Review status: criteria provided, single submitter. Criteria: Invitae Variant Classification Sherloc (09022015). Collection method: clinical testing. Allele origin: germline.
Comment: This sequence change creates a premature translational stop signal (p.Leu2924Thrfs*2) in the DYNC2H1 gene. It is expected to result in an absent or disrupted protein product. Loss-of-function variants in DYNC2H1 are known to be pathogenic (PMID: 23339108, 32753734, 33755199). This variant is not present in population databases (gnomAD no frequency). This premature translational stop signal has been observed in individual(s) with short-rib polydactyly syndrome (PMID: 29068549). ClinVar contains an entry for this variant (Variation ID: 446573). For these reasons, this variant has been classified as Pathogenic.

Dan Cohn Lab, University Of California Los Angeles
Classification: Pathogenic for Asphyxiating thoracic dystrophy 3. Last evaluated: 2017-06-01. Review status: no assertion criteria provided. Collection method: research. Allele origin: unknown. Affected: yes. Not counted in ClinVar's aggregate classification.

University of Washington Center for Mendelian Genomics, University of Washington
Classification: Likely pathogenic for Asphyxiating thoracic dystrophy 3. Review status: no assertion criteria provided. Collection method: research. Allele origin: inherited. Affected: yes. Not counted in ClinVar's aggregate classification.

Literature cited by the submitters: PubMed 29068549 (cited by 4 submitters); PubMed 23339108 (cited by Labcorp Genetics (formerly Invitae), Labcorp); PubMed 32753734 (cited by Labcorp Genetics (formerly Invitae), Labcorp); PubMed 33755199 (cited by Labcorp Genetics (formerly Invitae), Labcorp).

NM_001377.3(DYNC2H1):c.8769_8770del (p.Leu2924fs)

Gene: DYNC2H1 (dynein cytoplasmic 2 heavy chain 1; plus strand). Cytogenetic location: 11q22.3.
Variant type: Microsatellite.
Coding change: c.8769_8770del on transcript NM_001377.3 (MANE Select); coding-DNA positions 8769 to 8770, 2 bases deleted (GT; older notation c.8769_8770delGT).
Protein change: p.Leu2924fs; shifts the reading frame from leucine 2924.
Molecular consequence: frameshift variant.
Genome position (GRCh38, 1-based): chr11:103,215,795-103,215,796, GT deleted; deleting any 2 consecutive bases within chr11:103,215,791-103,215,796 gives the same sequence; the c. name uses the placement nearest the transcript's 3' end. VCF-style (leftmost placement, unchanged base first): chr11-103215790-AGT-A. GRCh37 (hg19) VCF-style: chr11-103086519-AGT-A.
Other names: c.8769_8770del, p.Leu2924fs (NM_001080463.2); short protein forms L2924fs.
Identifiers: ClinVar variation 446573 (VCV000446573.7), dbSNP rs1555071503, ClinGen allele CA476620297.